The following is an entry in ClinVar:

NM_032603.5(LOXL3):c.1632C>T (p.Ile544=)

Gene: LOXL3 (lysyl oxidase like 3; minus strand). Cytogenetic location: 2p13.1.
Variant type: single nucleotide variant.
Coding change: c.1632C>T on transcript NM_032603.5 (MANE Select); coding-DNA position 1632, C replaced by T.
Protein change: p.Ile544=; no amino-acid change (isoleucine 544 retained).
Molecular consequence: synonymous variant.
Genome position (GRCh38, 1-based): chr2:74,534,722, G>A on the plus strand (C>T on the coding strand, the complement: LOXL3 is on the minus strand). VCF-style: chr2-74534722-G-A. GRCh37 (hg19) VCF-style: chr2-74761849-G-A.
Other names: c.1197C>T, p.Ile399= (NM_001289164.3); c.549C>T, p.Ile183= (NM_001289165.2); c.1632C>T (NM_032603.4).
Identifiers: ClinVar variation 1594473 (VCV001594473.11), dbSNP rs374923362, ClinGen allele CA1728828.

ClinVar aggregate classification (germline): Likely benign. Review status: criteria provided, multiple submitters, no conflicts (2 of 4 stars). 3 submissions from 3 submitters: Likely benign (2). 1 of the submissions does not count toward it. Last evaluated 2025-06-24.

Conditions:
LOXL3-related disorder. Also called: LOXL3-related condition.

Allele frequency attached by ClinVar (database versions not stated): gnomAD exomes 0.00005; ExAC 0.00007; ESP Exome Variant Server 0.00015; gnomAD 0.00016 and 0.00018.
gnomAD v4.1: 98 of 1,614,046 alleles (0.0061%); highest among the groups gnomAD compares: African/African-American, 0.049%; no homozygotes.

Submissions (3):

Labcorp Genetics (formerly Invitae), Labcorp
Classification: Likely benign. Last evaluated: 2025-06-24. Review status: criteria provided, single submitter. Criteria: Invitae Variant Classification Sherloc (09022015). Collection method: clinical testing. Allele origin: germline.

Breakthrough Genomics
Classification: Likely benign. Review status: criteria provided, single submitter. Criteria: ACMG Guidelines, 2015. Collection method: not provided. Allele origin: germline. Inheritance: Autosomal recessive inheritance. Affected: yes.

PreventionGenetics, part of Exact Sciences
Classification: Likely benign for LOXL3-related condition. Last evaluated: 2022-03-16. Review status: no assertion criteria provided. Collection method: clinical testing. Allele origin: germline. Not counted in ClinVar's aggregate classification.
Comment: This variant is classified as likely benign based on ACMG/AMP sequence variant interpretation guidelines (Richards et al. 2015 PMID: 25741868, with internal and published modifications).